The following is an entry in ClinVar:

ClinVar aggregate classification (germline): Uncertain significance (1 of 4 stars; one submission).

Conditions:
Left ventricular noncompaction 8 (LVNC8). Identifiers: Orphanet 154, Orphanet 54260, MedGen C3809288, MONDO:0014152, OMIM 615373.

Allele frequency attached by ClinVar (database versions not stated): gnomAD exomes 0.00001 and 0.00002; ExAC 0.00002; TOPMed 0.00006; gnomAD 0.00007 and 0.00008; ESP Exome Variant Server 0.00008.
gnomAD v4.1: 18 of 1,613,554 alleles (0.0011%); highest among the groups gnomAD compares: African/African-American, 0.023%; no homozygotes.

Submission:

Labcorp Genetics (formerly Invitae), Labcorp
Classification: Uncertain significance for Left ventricular noncompaction 8. Last evaluated: 2025-07-13. Review status: criteria provided, single submitter. Criteria: Invitae Variant Classification Sherloc (09022015). Collection method: clinical testing. Allele origin: germline.
Comment: This sequence change replaces serine, which is neutral and polar, with arginine, which is basic and polar, at codon 189 of the PRDM16 protein (p.Ser189Arg). This variant is present in population databases (rs368081666, gnomAD 0.03%). This variant has not been reported in the literature in individuals affected with PRDM16-related conditions. ClinVar contains an entry for this variant (Variation ID: 1429725). An algorithm developed to predict the effect of missense changes on protein structure and function (PolyPhen-2) suggests that this variant is likely to be tolerated. In summary, the available evidence is currently insufficient to determine the role of this variant in disease. Therefore, it has been classified as a Variant of Uncertain Significance.

NM_022114.4(PRDM16):c.567T>G (p.Ser189Arg)

Gene: PRDM16 (PR/SET domain 16; plus strand). Cytogenetic location: 1p36.32.
Variant type: single nucleotide variant.
Coding change: c.567T>G on transcript NM_022114.4 (MANE Select); coding-DNA position 567, T replaced by G.
Protein change: p.Ser189Arg; replaces serine 189 with arginine.
Molecular consequence: missense variant.
Genome position (GRCh38, 1-based): chr1:3,385,280, T>G. VCF-style: chr1-3385280-T-G. GRCh37 (hg19) VCF-style: chr1-3301844-T-G.
Other names: c.567T>G, p.Ser189Arg (NM_199454.3); short protein forms S189R.
Identifiers: ClinVar variation 1429725 (VCV001429725.8), dbSNP rs368081666, ClinGen allele CA543848.